The following is an entry in ClinVar:

NM_022132.5(MCCC2):c.1474C>T (p.Arg492Trp)

Gene: MCCC2 (methylcrotonyl-CoA carboxylase subunit 2; plus strand). Cytogenetic location: 5q13.2.
Variant type: single nucleotide variant.
Coding change: c.1474C>T on transcript NM_022132.5 (MANE Select); coding-DNA position 1474, C replaced by T.
Protein change: p.Arg492Trp; replaces arginine 492 with tryptophan.
Molecular consequence: missense variant.
Genome position (GRCh38, 1-based): chr5:71,650,169, C>T. VCF-style: chr5-71650169-C-T. GRCh37 (hg19) VCF-style: chr5-70945996-C-T.
Other names: c.1360C>T, p.Arg454Trp (NM_001363147.1); short protein forms R454W, R492W.
Identifiers: ClinVar variation 991037 (VCV000991037.3), dbSNP rs531891095, ClinGen allele CA3298158.
Genomic context (GRCh38, chr5:71,650,169, plus strand): 5'-GTGATGGGAGGAGAGCAGGCAGCCAATGTGTTGGCCACGATAACAAAGGACCAAAGAGCC[C>T]GGGAAGGAAAGCAGGTCGGTGTCGTTTTCTCTTGTTTCTCTCTGGTTTTGCCTCTCACCA-3'
Protein context (NP_071415.1, residues 482-502): LATITKDQRA[Arg492Trp]EGKQFSSADE

ClinVar aggregate classification (germline): Uncertain significance. Review status: criteria provided, single submitter (1 of 4 stars). 2 submissions from 2 submitters: Uncertain significance (1). 1 of the submissions does not count toward it. Last evaluated 2024-09-05.

Conditions:
Methylcrotonyl-CoA carboxylase deficiency. Also called: 3 Methylcrotonylglycinuria; 3-MCC Deficiency; Deficiency of methylcrotonoyl-CoA carboxylase. Identifiers: Orphanet 6, MedGen C4551505, MONDO:0018950.
3-methylcrotonyl-CoA carboxylase 2 deficiency. Also called: 3 alpha methylcrotonyl-CoA carboxylase 2 deficiency; 3 alpha methylcrotonylglycinuria 2; MCC 2 deficiency; Methylcrotonylglycinuria type 2; METHYLCROTONYLGLYCINURIA, TYPE II. Identifiers: Orphanet 6, MedGen C1859499, MONDO:0008862, OMIM 210210.

Allele frequency attached by ClinVar (database versions not stated): TOPMed below 0.00001; gnomAD 0.00001 and 0.00003; gnomAD exomes 0.00005; ExAC 0.00006; 1000 Genomes Project 30x 0.00016; 1000 Genomes Project 0.00020.
gnomAD v4.1: 66 of 1,614,008 alleles (0.0041%); highest among the groups gnomAD compares: South Asian, 0.052%; 1 homozygote.

Submissions (2):

Labcorp Genetics (formerly Invitae), Labcorp
Classification: Uncertain significance for 3-methylcrotonyl-CoA carboxylase 2 deficiency. Last evaluated: 2024-09-05. Review status: criteria provided, single submitter. Criteria: Invitae Variant Classification Sherloc (09022015). Collection method: clinical testing. Allele origin: germline.
Comment: This sequence change replaces arginine, which is basic and polar, with tryptophan, which is neutral and slightly polar, at codon 492 of the MCCC2 protein (p.Arg492Trp). This variant is present in population databases (rs531891095, gnomAD 0.04%). This variant has not been reported in the literature in individuals affected with MCCC2-related conditions. ClinVar contains an entry for this variant (Variation ID: 991037). Invitae Evidence Modeling of protein sequence and biophysical properties (such as structural, functional, and spatial information, amino acid conservation, physicochemical variation, residue mobility, and thermodynamic stability) indicates that this missense variant is expected to disrupt MCCC2 protein function with a positive predictive value of 95%. In summary, the available evidence is currently insufficient to determine the role of this variant in disease. Therefore, it has been classified as a Variant of Uncertain Significance.

Natera, Inc.
Classification: Uncertain significance for 3-methylcrotonylglycinuria. Last evaluated: 2020-10-30. Review status: no assertion criteria provided. Collection method: clinical testing. Allele origin: germline. Not counted in ClinVar's aggregate classification.